The following is an entry in ClinVar:

NM_007294.4(BRCA1):c.724A>C (p.Ser242Arg)

Gene: BRCA1 (BRCA1 DNA repair associated; minus strand). Cytogenetic location: 17q21.31.
Variant type: single nucleotide variant.
Coding change: c.724A>C on transcript NM_007294.4 (MANE Select); coding-DNA position 724, A replaced by C.
Protein change: p.Ser242Arg; replaces serine 242 with arginine.
Molecular consequence: missense variant. On other transcripts: intron variant (13), 5 prime UTR variant (2).
Genome position (GRCh38, 1-based): chr17:43,094,807, T>G on the plus strand (A>C on the coding strand, the complement: BRCA1 is on the minus strand). VCF-style: chr17-43094807-T-G. GRCh37 (hg19) VCF-style: chr17-41246824-T-G.
Other names: c.721A>C, p.Ser241Arg (NM_001407628.1, NM_001407629.1, NM_001407630.1 and 38 more transcripts); c.511A>C, p.Ser171Arg (NM_001407571.1, NM_001408490.1, NM_001408491.1 and 12 more transcripts); c.724A>C, p.Ser242Arg (NM_001407581.1, NM_001407582.1, NM_001407583.1 and 53 more transcripts); c.460A>C, p.Ser154Arg (NM_001408499.1, NM_001408496.1, NM_001408497.1 and 15 more transcripts); c.583A>C, p.Ser195Arg (NM_001407734.1, NM_001407735.1, NM_001407736.1 and 43 more transcripts); c.580A>C, p.Ser194Arg (NM_001407740.1, NM_001407741.1, NM_001407742.1 and 26 more transcripts); c.643A>C, p.Ser215Arg (NM_001408416.1, NM_001407659.1, NM_001407660.1 and 3 more transcripts); c.601A>C, p.Ser201Arg (NM_001408425.1, NM_001408426.1, NM_001408427.1 and 34 more transcripts); and 20 more; short protein forms S130R, S153R, S171R, S197R, S242R, S115R, S154R, S172R.
Identifiers: ClinVar variation 5033157 (VCV005033157.1).

ClinVar aggregate classification (germline): Uncertain significance (1 of 4 stars; one submission).

Conditions:
Hereditary cancer-predisposing syndrome. Also called: Neoplastic Syndromes, Hereditary; Tumor predisposition; Hereditary neoplastic syndrome; Hereditary Cancer Syndrome. Identifiers: Orphanet 140162, MedGen C0027672, MeSH D009386, MONDO:0015356.

Submission:

Ambry Genetics
Classification: Uncertain significance for Hereditary cancer-predisposing syndrome. Last evaluated: 2026-06-17. Review status: criteria provided, single submitter. Criteria: Ambry Variant Classification Scheme 2023. Collection method: clinical testing. Allele origin: germline.
Comment: The p.S242R variant (also known as c.724A>C), located in coding exon 9 of the BRCA1 gene, results from an A to C substitution at nucleotide position 724. The serine at codon 242 is replaced by arginine, an amino acid with dissimilar properties. This amino acid position is not well conserved in available vertebrate species. In addition, this alteration is predicted to be deleterious by in silico analysis. Based on the available evidence, the clinical significance of this variant remains unclear.